The following is an entry in ClinVar:

ClinVar aggregate classification (germline): Pathogenic (1 of 4 stars; one submission).

Conditions:
Sandhoff disease. Also called: GM2-GANGLIOSIDOSIS, TYPE II; HEXOSAMINIDASES A AND B DEFICIENCY; Beta-hexosaminidase-beta-subunit deficiency; GM2 gangliosidosis, type 2; Total hexosaminidase deficiency; Sandhoff-Jatzkewitz-Pilz disease. Identifiers: Orphanet 796, MedGen C0036161, MONDO:0010006, OMIM 268800.

Submission:

Labcorp Genetics (formerly Invitae), Labcorp
Classification: Pathogenic for Sandhoff disease. Last evaluated: 2022-06-07. Review status: criteria provided, single submitter. Criteria: Invitae Variant Classification Sherloc (09022015). Collection method: clinical testing. Allele origin: germline.
Comment: This variant is a gross deletion of the genomic region encompassing exon(s) 2-11 of the HEXB gene. This deletion is out-of-frame, and is expected to create a premature termination codon and result in an absent or disrupted protein product. Loss-of-function variants in HEXB are known to be pathogenic (PMID: 7550345, 18758829). This variant has not been reported in the literature in individuals affected with HEXB-related conditions. For these reasons, this variant has been classified as Pathogenic.

Literature cited by the submitters: PubMed 7550345; PubMed 18758829.

NC_000005.9:g.(?_73985143)_(74014806_?)del

Gene: HEXB (hexosaminidase subunit beta; plus strand). Cytogenetic location: 5q13.3.
Variant type: Deletion.
Identifiers: ClinVar variation 1455054 (VCV001455054.5).